The following is an entry in ClinVar:

ClinVar aggregate classification (germline): Uncertain significance (1 of 4 stars; one submission).

Conditions:
Inborn genetic diseases. Identifiers: MedGen C0950123, MeSH D030342.

Submission:

Ambry Genetics
Classification: Uncertain significance for Inborn genetic diseases. Last evaluated: 2025-03-23. Review status: criteria provided, single submitter. Criteria: Ambry Variant Classification Scheme 2023. Collection method: clinical testing. Allele origin: germline.
Comment: The p.G106E variant (also known as c.317G>A), located in coding exon 1 of the SDHAF1 gene, results from a G to A substitution at nucleotide position 317. The glycine at codon 106 is replaced by glutamic acid, an amino acid with similar properties. This amino acid position is conserved. In addition, this alteration is predicted to be tolerated by in silico analysis. Based on the available evidence, the clinical significance of this variant remains unclear.

NM_001042631.3(SDHAF1):c.317G>A (p.Gly106Glu)

Genes: SDHAF1 (succinate dehydrogenase complex assembly factor 1; plus strand), LOC130064281 (ATAC-STARR-seq lymphoblastoid silent region 10546; plus strand). Cytogenetic location: 19q13.12.
Variant type: single nucleotide variant.
Coding change: c.317G>A on transcript NM_001042631.3 (MANE Select); coding-DNA position 317, G replaced by A.
Protein change: p.Gly106Glu; replaces glycine 106 with glutamic acid.
Molecular consequence: missense variant.
Genome position (GRCh38, 1-based): chr19:35,995,591, G>A. VCF-style: chr19-35995591-G-A. GRCh37 (hg19) VCF-style: chr19-36486493-G-A.
Other names: short protein forms G106E.
Identifiers: ClinVar variation 3793564 (VCV003793564.2).